The following is an entry in ClinVar:

ClinVar aggregate classification (germline): Likely benign (1 of 4 stars; one submission).

Conditions:
KARS1-related disorder. Also called: KARS1-related disorders.

gnomAD v4.1: 5 of 1,596,034 alleles (0.00031%); highest among the groups gnomAD compares: Non-Finnish European, 0.00043%; no homozygotes.

Submissions (2):

PreventionGenetics, part of Exact Sciences
Classification: Likely benign for KARS1-related condition. Last evaluated: 2026-06-15. Review status: criteria provided, single submitter. Criteria: ACMG Guidelines, 2015. Collection method: clinical testing. Allele origin: germline.
Comment: This variant is classified as likely benign based on ACMG/AMP sequence variant interpretation guidelines (Richards et al. 2015 PMID: 25741868, with internal and published modifications).

Dr. Peter K. Rogan Lab, Western University
No classification provided (evidence only). Condition: Lung cancer. Review status: no classification provided. Collection method: in vitro. Allele origin: not applicable. Functional consequence: retained intron. Not counted in ClinVar's aggregate classification.

NM_005548.3(KARS1):c.1339-3A>G

Genes: KARS1 (lysyl-tRNA synthetase 1; minus strand), LOC126862402 (CDK7 strongly-dependent group 2 enhancer GRCh37_chr16:75663368-75664567; plus strand). Cytogenetic location: 16q23.1.
Variant type: single nucleotide variant.
Coding change: c.1339-3A>G on transcript NM_005548.3 (MANE Select); 3 bases into the intron before coding-DNA position 1339, A replaced by G.
Molecular consequence: intron variant.
Genome position (GRCh38, 1-based): chr16:75,630,511, T>C on the plus strand (A>G on the coding strand, the complement: KARS1 is on the minus strand). VCF-style: chr16-75630511-T-C. GRCh37 (hg19) VCF-style: chr16-75664409-T-C.
Other names: NC_000016.9:g.75664409T>C; c.1423-3A>G (NM_001130089.2, NM_001130089.1); c.871-3A>G (NM_001378148.1).
Identifiers: ClinVar variation 4415622 (VCV004415622.2).